The following is an entry in ClinVar:

NM_001142864.4(PIEZO1):c.2791-4G>A

Genes: HSALR1 (HSP90AB1 associated lncRNA 1; plus strand), PIEZO1 (piezo type mechanosensitive ion channel component 1 (Er blood group); minus strand). Cytogenetic location: 16q24.3.
Variant type: single nucleotide variant.
Coding change: c.2791-4G>A on transcript NM_001142864.4 (MANE Select); 4 bases into the intron before coding-DNA position 2791, G replaced by A.
Molecular consequence: intron variant.
Genome position (GRCh38, 1-based): chr16:88,732,539, C>T on the plus strand (G>A on the coding strand, the complement: PIEZO1 is on the minus strand). VCF-style: chr16-88732539-C-T. GRCh37 (hg19) VCF-style: chr16-88798947-C-T.
Identifiers: ClinVar variation 3041024 (VCV003041024.2), dbSNP rs758152024, ClinGen allele CA286420577.

ClinVar aggregate classification (germline): Likely benign (0 of 4 stars; one submission).

Conditions:
PIEZO1-related disorder. Also called: PIEZO1-related condition; PIEZO1-Related Disorders.

gnomAD v4.1: 40 of 1,545,794 alleles (0.0026%); highest among the groups gnomAD compares: South Asian, 0.006%; no homozygotes.

Submission:

PreventionGenetics, part of Exact Sciences
Classification: Likely benign for PIEZO1-related condition. Last evaluated: 2019-09-17. Review status: no assertion criteria provided. Collection method: clinical testing. Allele origin: germline.
Comment: This variant is classified as likely benign based on ACMG/AMP sequence variant interpretation guidelines (Richards et al. 2015 PMID: 25741868, with internal and published modifications).